The following is an entry in ClinVar:

NM_001001563.5(TIMM50):c.44T>G (p.Leu15Arg)

Gene: TIMM50 (translocase of inner mitochondrial membrane 50; plus strand). Cytogenetic location: 19q13.2.
Variant type: single nucleotide variant.
Coding change: c.44T>G on transcript NM_001001563.5 (MANE Select); coding-DNA position 44, T replaced by G.
Protein change: p.Leu15Arg; replaces leucine 15 with arginine.
Molecular consequence: missense variant. On other transcripts: 5 prime UTR variant (1).
Genome position (GRCh38, 1-based): chr19:39,480,897, T>G. VCF-style: chr19-39480897-T-G. GRCh37 (hg19) VCF-style: chr19-39971537-T-G.
Other names: c.-237T>G (NM_001329559.2); short protein forms L15R.
Identifiers: ClinVar variation 1940763 (VCV001940763.5), dbSNP rs544975086, ClinGen allele CA405785879.

ClinVar aggregate classification (germline): Uncertain significance. Review status: criteria provided, multiple submitters, no conflicts (2 of 4 stars). 2 submissions from 2 submitters: Uncertain significance (2). Last evaluated 2022-08-16.

Conditions:
3-methylglutaconic aciduria type 9. Also called: 3-METHYLGLUTACONIC ACIDURIA, TYPE IX. Identifiers: Orphanet 505216, MedGen C4540171, MONDO:0044724, OMIM 617698.

Allele frequency attached by ClinVar (database versions not stated): TOPMed below 0.00001.
gnomAD v4.1: 6 of 1,598,110 alleles (0.00038%); highest among the groups gnomAD compares: Middle Eastern, 0.035%; no homozygotes.

Submissions (2):

Labcorp Genetics (formerly Invitae), Labcorp
Classification: Uncertain significance. Last evaluated: 2022-08-16. Review status: criteria provided, single submitter. Criteria: Invitae Variant Classification Sherloc (09022015). Collection method: clinical testing. Allele origin: germline.
Comment: In summary, the available evidence is currently insufficient to determine the role of this variant in disease. Therefore, it has been classified as a Variant of Uncertain Significance. Algorithms developed to predict the effect of missense changes on protein structure and function are either unavailable or do not agree on the potential impact of this missense change (SIFT: "Not Available"; PolyPhen-2: "Probably Damaging"; Align-GVGD: "Not Available"). This variant has not been reported in the literature in individuals affected with TIMM50-related conditions. This variant is not present in population databases (gnomAD no frequency). This sequence change replaces leucine, which is neutral and non-polar, with arginine, which is basic and polar, at codon 118 of the TIMM50 protein (p.Leu118Arg).

Baylor Genetics
Classification: Uncertain significance for 3-methylglutaconic aciduria type 9. Last evaluated: 2022-04-19. Review status: criteria provided, single submitter. Criteria: ACMG Guidelines, 2015. Collection method: clinical testing. Allele origin: unknown.